The following is an entry in ClinVar:

ClinVar aggregate classification (germline): Pathogenic/Likely pathogenic. Review status: criteria provided, multiple submitters, no conflicts (2 of 4 stars). 2 submissions from 2 submitters: Pathogenic (1); Likely pathogenic (1). Last evaluated 2023-08-15.

Conditions:
Autosomal recessive limb-girdle muscular dystrophy type 2O. Also called: Limb-Girdle Muscular Dystrophy Type 3C; MUSCULAR DYSTROPHY-DYSTROGLYCANOPATHY (LIMB-GIRDLE), TYPE C, 3; MUSCULAR DYSTROPHY-DYSTROGLYCANOPATHY, LIMB-GIRDLE, POMGNT1-RELATED. Identifiers: Orphanet 206564, MedGen C3150417, MONDO:0013161, OMIM 613157.
Muscular dystrophy-dystroglycanopathy (congenital with impaired intellectual development), type B, 3. Also called: MUSCULAR DYSTROPHY, CONGENITAL, POMGNT1-RELATED; Muscular dystrophy-dystroglycanopathy (congenital with intellectual disability), type B3. Identifiers: MedGen C3150412, MONDO:0013155, OMIM 613151.
POMGNT1-related disorder. Also called: POMGNT1-related condition; POMGNT1-related disorders. Identifiers: MedGen CN239299.

Allele frequency attached by ClinVar (database versions not stated): gnomAD exomes below 0.00001; TOPMed below 0.00001; ExAC 0.00001; gnomAD 0.00001.
gnomAD v4.1: 2 of 1,614,068 alleles (0.00012%); highest among the groups gnomAD compares: African/African-American, 0.0013%; no homozygotes.

Submissions (2):

Blueprint Genetics
Classification: Pathogenic for POMGNT1-related disorders. Last evaluated: 2023-08-15. Review status: criteria provided, single submitter. Criteria: ACMG Guidelines, 2015. Collection method: clinical testing. Allele origin: germline. Affected: yes. Observed: 2 variant alleles.

Labcorp Genetics (formerly Invitae), Labcorp
Classification: Likely pathogenic for Autosomal recessive limb-girdle muscular dystrophy type 2O; Muscular dystrophy-dystroglycanopathy (congenital with impaired intellectual development), type B, 3. Last evaluated: 2022-11-02. Review status: criteria provided, single submitter. Criteria: Invitae Variant Classification Sherloc (09022015). Collection method: clinical testing. Allele origin: germline.
Comment: This sequence change affects an acceptor splice site in intron 12 of the POMGNT1 gene. It is expected to disrupt RNA splicing. Variants that disrupt the donor or acceptor splice site typically lead to a loss of protein function (PMID: 16199547), and loss-of-function variants in POMGNT1 are known to be pathogenic (PMID: 19299310, 20816175, 21447391, 26908613, 27391550). This variant is present in population databases (rs764266244, gnomAD 0.007%). Disruption of this splice site has been observed in individual(s) with POMGNT1-related conditions (PMID: 33077954). Algorithms developed to predict the effect of sequence changes on RNA splicing suggest that this variant may disrupt the consensus splice site. In summary, the currently available evidence indicates that the variant is pathogenic, but additional data are needed to prove that conclusively. Therefore, this variant has been classified as Likely Pathogenic.

Literature cited by the submitters: PubMed 16199547 (cited by Labcorp Genetics (formerly Invitae), Labcorp); PubMed 19299310 (cited by Labcorp Genetics (formerly Invitae), Labcorp); PubMed 20816175 (cited by Labcorp Genetics (formerly Invitae), Labcorp); PubMed 21447391 (cited by Labcorp Genetics (formerly Invitae), Labcorp); PubMed 26908613 (cited by Labcorp Genetics (formerly Invitae), Labcorp); PubMed 27391550 (cited by Labcorp Genetics (formerly Invitae), Labcorp); PubMed 33077954 (cited by Labcorp Genetics (formerly Invitae), Labcorp).

NM_017739.4(POMGNT1):c.1111-1G>A

Genes: POMGNT1 (protein O-linked mannose N-acetylglucosaminyltransferase 1 (beta 1,2-); minus strand), TSPAN1 (tetraspanin 1; plus strand). Cytogenetic location: 1p34.1.
Variant type: single nucleotide variant.
Coding change: c.1111-1G>A on transcript NM_017739.4 (MANE Select); the canonical splice acceptor site of the intron before coding-DNA position 1111, G replaced by A.
Molecular consequence: splice acceptor variant.
Genome position (GRCh38, 1-based): chr1:46,193,216, C>T on the plus strand (G>A on the coding strand, the complement: POMGNT1 is on the minus strand). VCF-style: chr1-46193216-C-T. GRCh37 (hg19) VCF-style: chr1-46658888-C-T.
Other names: c.1111-1G>A (NM_001243766.2, NM_001438686.1, NM_001438688.1 and 3 more transcripts); c.1045-1G>A (NM_001290129.3, NM_001438691.1, NM_001438692.1); c.682-1G>A (NM_001290130.2).
Identifiers: ClinVar variation 2938074 (VCV002938074.4), dbSNP rs764266244, ClinGen allele CA833483.